The following is an entry in ClinVar:

ClinVar aggregate classification (germline): Uncertain significance. Review status: criteria provided, multiple submitters, no conflicts (2 of 4 stars). 2 submissions from 2 submitters: Uncertain significance (2). Last evaluated 2023-06-26.

Conditions:
Klippel-Feil syndrome 3, autosomal dominant (KFS3). Identifiers: Orphanet 2345, MedGen C3150967, MONDO:0013375, OMIM 613702.

Allele frequency attached by ClinVar (database versions not stated): gnomAD exomes below 0.00001 and 0.00001; ExAC 0.00001; TOPMed 0.00001.

Submissions (2):

GeneDx
Classification: Uncertain significance. Last evaluated: 2023-06-26. Review status: criteria provided, single submitter. Criteria: GeneDx Variant Classification Process June 2021. Collection method: clinical testing. Allele origin: germline. Affected: yes.
Comment: In silico analysis supports that this missense variant does not alter protein structure/function; Has not been previously published as pathogenic or benign to our knowledge

Labcorp Genetics (formerly Invitae), Labcorp
Classification: Uncertain significance for Klippel-Feil syndrome 3, autosomal dominant. Last evaluated: 2019-03-26. Review status: criteria provided, single submitter. Criteria: Invitae Variant Classification Sherloc (09022015). Collection method: clinical testing. Allele origin: germline.
Comment: Algorithms developed to predict the effect of missense changes on protein structure and function are either unavailable or do not agree on the potential impact of this missense change (SIFT: "Tolerated"; PolyPhen-2: "Possibly Damaging"; Align-GVGD: "Class C0"). This variant has not been reported in the literature in individuals with GDF3-related conditions. This variant is present in population databases (rs774437736, ExAC 0.01%). This sequence change replaces serine with proline at codon 304 of the GDF3 protein (p.Ser304Pro). The serine residue is moderately conserved and there is a moderate physicochemical difference between serine and proline. In summary, the available evidence is currently insufficient to determine the role of this variant in disease. Therefore, it has been classified as a Variant of Uncertain Significance.

NM_020634.3(GDF3):c.910T>C (p.Ser304Pro)

Gene: GDF3 (growth differentiation factor 3; minus strand). Cytogenetic location: 12p13.31.
Variant type: single nucleotide variant.
Coding change: c.910T>C on transcript NM_020634.3 (MANE Select); coding-DNA position 910, T replaced by C.
Protein change: p.Ser304Pro; replaces serine 304 with proline.
Molecular consequence: missense variant.
Genome position (GRCh38, 1-based): chr12:7,690,063, A>G on the plus strand (T>C on the coding strand, the complement: GDF3 is on the minus strand). VCF-style: chr12-7690063-A-G. GRCh37 (hg19) VCF-style: chr12-7842659-A-G.
Other names: short protein forms S304P.
Identifiers: ClinVar variation 657164 (VCV000657164.11), dbSNP rs774437736, ClinGen allele CA6429144.